The following is an entry in ClinVar:

NM_018706.7(DHTKD1):c.2320-2A>T

Gene: DHTKD1 (dehydrogenase E1 and transketolase domain containing 1; plus strand). Cytogenetic location: 10p14.
Variant type: single nucleotide variant.
Coding change: c.2320-2A>T on transcript NM_018706.7 (MANE Select); the canonical splice acceptor site of the intron before coding-DNA position 2320, A replaced by T.
Molecular consequence: splice acceptor variant.
Genome position (GRCh38, 1-based): chr10:12,117,671, A>T. VCF-style: chr10-12117671-A-T. GRCh37 (hg19) VCF-style: chr10-12159670-A-T.
Identifiers: ClinVar variation 2442096 (VCV002442096.3), dbSNP rs754097253, ClinGen allele CA5408224.
Genomic context (GRCh38, chr10:12,117,671, plus strand): 5'-GTAAGTGACAGCATCACCTCTTTCTGTTGCTTGCTGGATGTGTGGCCTCTTCTCCCTCGT[A>T]GGCAGCCGTGTCAACTCTTCAAGAAATGGCACCAGGAACAACATTTAACCCGGTCATTGG-3'

ClinVar aggregate classification (germline): Likely pathogenic. Review status: criteria provided, multiple submitters, no conflicts (2 of 4 stars). 2 submissions from 2 submitters: Likely pathogenic (2). Last evaluated 2026-01-01.

Conditions:
2-aminoadipic 2-oxoadipic aciduria (AAKAD). Also called: Aminoadipic aciduria; ALPHA-AMINOADIPIC AND ALPHA-KETOADIPIC ACIDURIA. Identifiers: Orphanet 79154, MedGen C1859817, MONDO:0008774, OMIM 204750.

Allele frequency attached by ClinVar (database versions not stated): gnomAD 0.00001; gnomAD exomes 0.00001; TOPMed 0.00001; ExAC 0.00002.
gnomAD v4.1: 12 of 1,583,226 alleles (0.00076%); highest among the groups gnomAD compares: Admixed American, 0.021%; no homozygotes.

Submissions (2):

Labcorp Genetics (formerly Invitae), Labcorp
Classification: Likely pathogenic for 2-aminoadipic 2-oxoadipic aciduria. Last evaluated: 2026-01-01. Review status: criteria provided, single submitter. Criteria: Invitae Variant Classification Sherloc (09022015). Collection method: clinical testing. Allele origin: germline.
Comment: This sequence change affects an acceptor splice site in intron 13 of the DHTKD1 gene. It is expected to disrupt RNA splicing. Variants that disrupt the donor or acceptor splice site typically lead to a loss of protein function (PMID: 16199547), and loss-of-function variants in DHTKD1 are known to be pathogenic (PMID: 23141293, 25860818). This variant is present in population databases (rs754097253, gnomAD 0.02%). This variant has not been reported in the literature in individuals affected with DHTKD1-related conditions. ClinVar contains an entry for this variant (Variation ID: 2442096). Algorithms developed to predict the effect of sequence changes on RNA splicing suggest that this variant may disrupt the consensus splice site. In summary, the currently available evidence indicates that the variant is pathogenic, but additional data are needed to prove that conclusively. Therefore, this variant has been classified as Likely Pathogenic.

Baylor Genetics
Classification: Likely pathogenic for 2-aminoadipic 2-oxoadipic aciduria. Last evaluated: 2022-03-17. Review status: criteria provided, single submitter. Criteria: ACMG Guidelines, 2015. Collection method: clinical testing. Allele origin: unknown.

Literature cited by the submitters: PubMed 16199547 (cited by Labcorp Genetics (formerly Invitae), Labcorp); PubMed 23141293 (cited by Labcorp Genetics (formerly Invitae), Labcorp); PubMed 25860818 (cited by Labcorp Genetics (formerly Invitae), Labcorp).